The following is an entry in ClinVar:

NM_053025.4(MYLK):c.3220G>A (p.Asp1074Asn)

Gene: MYLK (myosin light chain kinase; minus strand). Cytogenetic location: 3q21.1.
Variant type: single nucleotide variant.
Coding change: c.3220G>A on transcript NM_053025.4 (MANE Select); coding-DNA position 3220, G replaced by A.
Protein change: p.Asp1074Asn; replaces aspartic acid 1074 with asparagine.
Molecular consequence: missense variant.
Genome position (GRCh38, 1-based): chr3:123,700,248, C>T on the plus strand (G>A on the coding strand, the complement: MYLK is on the minus strand). VCF-style: chr3-123700248-C-T. GRCh37 (hg19) VCF-style: chr3-123419095-C-T.
Other names: c.2692G>A, p.Asp898Asn (NM_001321309.2); c.3013G>A, p.Asp1005Asn (NM_053026.4, NM_053028.4); c.3220G>A, p.Asp1074Asn (NM_053027.4); short protein forms D1074N, D898N, D1005N.
Identifiers: ClinVar variation 3401083 (VCV003401083.1).

ClinVar aggregate classification (germline): Uncertain significance (1 of 4 stars; one submission).

Conditions:
Familial thoracic aortic aneurysm and aortic dissection (TAAD). Also called: Thoracic aortic aneurysms and dissections. Identifiers: Orphanet 91387, MedGen C4707243, MONDO:0019625.

gnomAD v4.1: 7 of 1,613,232 alleles (0.00043%); highest among the groups gnomAD compares: South Asian, 0.0055%; no homozygotes.

Submission:

Ambry Genetics
Classification: Uncertain significance for Familial thoracic aortic aneurysm and aortic dissection. Last evaluated: 2024-07-07. Review status: criteria provided, single submitter. Criteria: Ambry Variant Classification Scheme 2023. Collection method: clinical testing. Allele origin: germline.
Comment: The p.D1074N variant (also known as c.3220G>A), located in coding exon 15 of the MYLK gene, results from a G to A substitution at nucleotide position 3220. The aspartic acid at codon 1074 is replaced by asparagine, an amino acid with highly similar properties. This amino acid position is conserved. In addition, this alteration is predicted to be tolerated by in silico analysis. Based on the available evidence, the clinical significance of this variant remains unclear.